The following is an entry in ClinVar:

ClinVar aggregate classification (germline): Uncertain significance (1 of 4 stars; one submission).

Conditions:
Hereditary cancer-predisposing syndrome. Also called: Tumor predisposition; Hereditary Cancer Syndrome; Neoplastic Syndromes, Hereditary; Hereditary neoplastic syndrome. Identifiers: Orphanet 140162, MedGen C0027672, MeSH D009386, MONDO:0015356.

Submission:

Ambry Genetics
Classification: Uncertain significance for Hereditary cancer-predisposing syndrome. Last evaluated: 2024-09-20. Review status: criteria provided, single submitter. Criteria: Ambry Variant Classification Scheme 2023. Collection method: clinical testing. Allele origin: germline.
Comment: The p.C844R variant (also known as c.2530T>C), located in coding exon 18 of the KIT gene, results from a T to C substitution at nucleotide position 2530. The cysteine at codon 844 is replaced by arginine, an amino acid with highly dissimilar properties. This amino acid position is conserved. In addition, this alteration is predicted to be deleterious by in silico analysis. Since supporting evidence is limited at this time, the clinical significance of this alteration remains unclear.

NM_000222.3(KIT):c.2530T>C (p.Cys844Arg)

Gene: KIT (KIT proto-oncogene, receptor tyrosine kinase; plus strand). Cytogenetic location: 4q12.
Variant type: single nucleotide variant.
Coding change: c.2530T>C on transcript NM_000222.3 (MANE Select); coding-DNA position 2530, T replaced by C.
Protein change: p.Cys844Arg; replaces cysteine 844 with arginine.
Molecular consequence: missense variant.
Genome position (GRCh38, 1-based): chr4:54,736,543, T>C. VCF-style: chr4-54736543-T-C. GRCh37 (hg19) VCF-style: chr4-55602709-T-C.
Other names: c.2518T>C, p.Cys840Arg (NM_001093772.2, NM_001385292.1); c.2533T>C, p.Cys845Arg (NM_001385284.1); c.2527T>C, p.Cys843Arg (NM_001385285.1); c.2515T>C, p.Cys839Arg (NM_001385286.1); c.2521T>C, p.Cys841Arg (NM_001385288.1); c.2530T>C, p.Cys844Arg (NM_001385290.1); short protein forms C840R, C841R, C839R, C845R, C843R, C844R.
Identifiers: ClinVar variation 1792699 (VCV001792699.3), dbSNP rs2109811197, ClinGen allele CA356913117.